The following is an entry in ClinVar:

NM_005050.4(ABCD4):c.38+20A>G

Gene: ABCD4 (ATP binding cassette subfamily D member 4; minus strand). Cytogenetic location: 14q24.3.
Variant type: single nucleotide variant.
Coding change: c.38+20A>G on transcript NM_005050.4 (MANE Select); 20 bases into the intron after coding-DNA position 38, A replaced by G.
Molecular consequence: intron variant.
Genome position (GRCh38, 1-based): chr14:74,302,855, T>C on the plus strand (A>G on the coding strand, the complement: ABCD4 is on the minus strand). VCF-style: chr14-74302855-T-C. GRCh37 (hg19) VCF-style: chr14-74769558-T-C.
Other names: c.-410+20A>G (NM_001353607.2); c.-193+20A>G (NM_001353598.2); c.-105+20A>G (NM_001353594.2, NM_001353593.2); c.-389+20A>G (NM_001353604.2); c.-172+20A>G (NM_001353601.2); c.-244+20A>G (NM_001353597.2, NM_001353596.2); c.-529+20A>G (NM_001353603.2, NM_001353606.2); c.-312+20A>G (NM_001353600.2); and 6 more.
Identifiers: ClinVar variation 390088 (VCV000390088.2), dbSNP rs749876491, ClinGen allele CA7267357.

ClinVar aggregate classification (germline): Likely benign. Review status: criteria provided, multiple submitters, no conflicts (2 of 4 stars). 2 submissions from 2 submitters: Likely benign (2). Last evaluated 2025-02-06.

Conditions:
Methylmalonic acidemia with homocystinuria, type cblJ (MAHCJ). Also called: METHYLMALONIC ACIDURIA AND HOMOCYSTINURIA, cblJ TYPE. Identifiers: Orphanet 369955, MedGen C3553915, MONDO:0013925, OMIM 614857.

Allele frequency attached by ClinVar (database versions not stated): gnomAD exomes 0.00003 and 0.00014; TOPMed 0.00004; ExAC 0.00005; gnomAD 0.00006.
gnomAD v4.1: 201 of 1,600,092 alleles (0.013%); highest among the groups gnomAD compares: Non-Finnish European, 0.017%; 1 homozygote.

Submissions (2):

Labcorp Genetics (formerly Invitae), Labcorp
Classification: Likely benign for Methylmalonic acidemia with homocystinuria, type cblJ. Last evaluated: 2025-02-06. Review status: criteria provided, single submitter. Criteria: Invitae Variant Classification Sherloc (09022015). Collection method: clinical testing. Allele origin: germline.

GeneDx
Classification: Likely benign. Last evaluated: 2016-10-27. Review status: criteria provided, single submitter. Criteria: GeneDx Variant Classification (06012015). Collection method: clinical testing. Allele origin: germline. Affected: yes.
Comment: This variant is considered likely benign or benign based on one or more of the following criteria: it is a conservative change, it occurs at a poorly conserved position in the protein, it is predicted to be benign by multiple in silico algorithms, and/or has population frequency not consistent with disease.